The following is an entry in ClinVar:

ClinVar aggregate classification (germline): Likely pathogenic (1 of 4 stars; one submission).

Submission:

Labcorp Genetics (formerly Invitae), Labcorp
Classification: Likely pathogenic. Last evaluated: 2023-12-17. Review status: criteria provided, single submitter. Criteria: Invitae Variant Classification Sherloc (09022015). Collection method: clinical testing. Allele origin: germline.
Comment: This sequence change affects an acceptor splice site in intron 25 of the COL4A3 gene. It is expected to disrupt RNA splicing. Variants that disrupt the donor or acceptor splice site typically lead to a loss of protein function (PMID: 16199547), and loss-of-function variants in COL4A3 are known to be pathogenic (PMID: 8956999, 24854265, 26809805, 27281700). This variant is not present in population databases (gnomAD no frequency). This variant has not been reported in the literature in individuals affected with COL4A3-related conditions. Algorithms developed to predict the effect of sequence changes on RNA splicing suggest that this variant may disrupt the consensus splice site. In summary, the currently available evidence indicates that the variant is pathogenic, but additional data are needed to prove that conclusively. Therefore, this variant has been classified as Likely Pathogenic.

Literature cited by the submitters: PubMed 16199547; PubMed 8956999; PubMed 24854265; PubMed 26809805; PubMed 27281700.

NM_000091.5(COL4A3):c.1759-1G>A

Genes: COL4A3 (collagen type IV alpha 3 chain; plus strand), MFF-DT (MFF divergent transcript; minus strand). Cytogenetic location: 2q36.3.
Variant type: single nucleotide variant.
Coding change: c.1759-1G>A on transcript NM_000091.5 (MANE Select); the canonical splice acceptor site of the intron before coding-DNA position 1759, G replaced by A.
Molecular consequence: splice acceptor variant.
Genome position (GRCh38, 1-based): chr2:227,272,948, G>A. VCF-style: chr2-227272948-G-A. GRCh37 (hg19) VCF-style: chr2-228137664-G-A.
Identifiers: ClinVar variation 2759982 (VCV002759982.3), dbSNP rs2469699325, ClinGen allele CA350844728.